The following is an entry in ClinVar:

ClinVar aggregate classification (germline): Uncertain significance (1 of 4 stars; one submission).

gnomAD v4.1: 3 of 1,614,068 alleles (0.00019%); highest among the groups gnomAD compares: South Asian, 0.0022%; no homozygotes.

Submission:

Women's Health and Genetics/Laboratory Corporation of America, LabCorp
Classification: Uncertain significance. Last evaluated: 2025-05-22. Review status: criteria provided, single submitter. Criteria: LabCorp Variant Classification Summary - May 2015. Collection method: clinical testing. Allele origin: germline.
Comment: Variant summary: COL4A3 c.2792G>A (p.Gly931Glu) results in a non-conservative amino acid change in the Collagen triple helix repeat (IPR008160) of the encoded protein sequence. Algorithms developed to predict the effect of missense changes on protein structure and function all suggest that this variant is likely to be disruptive. The variant allele was found at a frequency of 4e-06 in 249402 control chromosomes. The available data on variant occurrences in the general population are insufficient to allow any conclusion about variant significance. To our knowledge, no occurrence of c.2792G>A in individuals affected with Alport Syndrome, Autosomal Recessive and no experimental evidence demonstrating its impact on protein function have been reported. No submitters have cited clinical-significance assessments for this variant to ClinVar. Based on the evidence outlined above, the variant was classified as uncertain significance.

NM_000091.5(COL4A3):c.2792G>A (p.Gly931Glu)

Genes: COL4A3 (collagen type IV alpha 3 chain; plus strand), MFF-DT (MFF divergent transcript; minus strand). Cytogenetic location: 2q36.3.
Variant type: single nucleotide variant.
Coding change: c.2792G>A on transcript NM_000091.5 (MANE Select); coding-DNA position 2792, G replaced by A.
Protein change: p.Gly931Glu; replaces glycine 931 with glutamic acid.
Molecular consequence: missense variant.
Genome position (GRCh38, 1-based): chr2:227,284,256, G>A. VCF-style: chr2-227284256-G-A. GRCh37 (hg19) VCF-style: chr2-228148972-G-A.
Other names: short protein forms G931E.
Identifiers: ClinVar variation 3902758 (VCV003902758.1).